The following is an entry in ClinVar:

NM_001134407.3(GRIN2A):c.818C>T (p.Pro273Leu)

Gene: GRIN2A (glutamate ionotropic receptor NMDA type subunit 2A; minus strand). Cytogenetic location: 16p13.2.
Variant type: single nucleotide variant.
Coding change: c.818C>T on transcript NM_001134407.3 (MANE Select); coding-DNA position 818, C replaced by T.
Protein change: p.Pro273Leu; replaces proline 273 with leucine.
Molecular consequence: missense variant.
Genome position (GRCh38, 1-based): chr16:9,938,148, G>A on the plus strand (C>T on the coding strand, the complement: GRIN2A is on the minus strand). VCF-style: chr16-9938148-G-A. GRCh37 (hg19) VCF-style: chr16-10032005-G-A.
Other names: c.818C>T, p.Pro273Leu (NM_000833.5, NM_001134408.2); short protein forms P273L.
Identifiers: ClinVar variation 2502599 (VCV002502599.1), dbSNP rs2543140883, ClinGen allele CA394798430.

ClinVar aggregate classification (germline): Uncertain significance (1 of 4 stars; one submission).

Allele frequency attached by ClinVar (database versions not stated): gnomAD exomes below 0.00001.
gnomAD v4.1: 1 of 1,614,130 alleles (0.000062%); highest among the groups gnomAD compares: African/African-American, 0.0013%; no homozygotes.

Submission:

GeneDx
Classification: Uncertain significance. Last evaluated: 2022-11-22. Review status: criteria provided, single submitter. Criteria: GeneDx Variant Classification Process June 2021. Collection method: clinical testing. Allele origin: germline. Affected: yes.
Comment: Not observed at significant frequency in large population cohorts (gnomAD); In silico analysis supports that this missense variant has a deleterious effect on protein structure/function; Has not been previously published as pathogenic or benign to our knowledge